The following is an entry in ClinVar:

NM_177972.3(TUB):c.427G>C (p.Asp143His)

Genes: RIC3 (RIC3 acetylcholine receptor chaperone; minus strand), TUB (TUB bipartite transcription factor; plus strand). Cytogenetic location: 11p15.4.
Variant type: single nucleotide variant.
Coding change: c.427G>C on transcript NM_177972.3 (MANE Select); coding-DNA position 427, G replaced by C.
Protein change: p.Asp143His; replaces aspartic acid 143 with histidine.
Molecular consequence: missense variant.
Genome position (GRCh38, 1-based): chr11:8,095,527, G>C. VCF-style: chr11-8095527-G-C. GRCh37 (hg19) VCF-style: chr11-8117074-G-C.
Other names: c.592G>C, p.Asp198His (NM_003320.5); short protein forms D143H, D198H.
Identifiers: ClinVar variation 934231 (VCV000934231.7), dbSNP rs746566482, ClinGen allele CA5871100.

ClinVar aggregate classification (germline): Uncertain significance. Review status: criteria provided, multiple submitters, no conflicts (2 of 4 stars). 2 submissions from 2 submitters: Uncertain significance (2). Last evaluated 2026-04-06.

Conditions:
TUB-related disorder. Also called: TUB-related condition.

Allele frequency attached by ClinVar (database versions not stated): ExAC 0.00003; TOPMed 0.00009.
gnomAD v4.1: 137 of 1,612,422 alleles (0.0085%); highest among the groups gnomAD compares: Non-Finnish European, 0.011%; no homozygotes.

Submissions (2):

PreventionGenetics, part of Exact Sciences
Classification: Uncertain significance for TUB-related condition. Last evaluated: 2026-04-06. Review status: criteria provided, single submitter. Criteria: ACMG Guidelines, 2015. Collection method: clinical testing. Allele origin: germline.
Comment: The TUB c.592G>C variant is predicted to result in the amino acid substitution p.Asp198His. To our knowledge, this variant has not been reported in the literature. This variant is reported in 0.0071% of alleles in individuals of European (Non-Finnish) descent in gnomAD. At this time, the clinical significance of this variant is uncertain due to the absence of conclusive functional and genetic evidence.

Labcorp Genetics (formerly Invitae), Labcorp
Classification: Uncertain significance. Last evaluated: 2023-07-10. Review status: criteria provided, single submitter. Criteria: Invitae Variant Classification Sherloc (09022015). Collection method: clinical testing. Allele origin: germline.
Comment: This variant has not been reported in the literature in individuals affected with TUB-related conditions. In summary, the available evidence is currently insufficient to determine the role of this variant in disease. Therefore, it has been classified as a Variant of Uncertain Significance. An algorithm developed to predict the effect of missense changes on protein structure and function (PolyPhen-2) suggests that this variant is likely to be disruptive. ClinVar contains an entry for this variant (Variation ID: 934231). This variant is present in population databases (rs746566482, gnomAD 0.007%). This sequence change replaces aspartic acid, which is acidic and polar, with histidine, which is basic and polar, at codon 198 of the TUB protein (p.Asp198His).